The following is an entry in ClinVar:

ClinVar aggregate classification (germline): Uncertain significance. Review status: criteria provided, multiple submitters, no conflicts (2 of 4 stars). 7 submissions from 7 submitters: Uncertain significance (7). Last evaluated 2024-09-13.

Conditions:
Cardiovascular phenotype. Identifiers: MedGen CN230736.
Dilated cardiomyopathy 1CC (CMD1CC). Identifiers: Orphanet 154, MedGen C2751084, MONDO:0013147, OMIM 613122.
Hypertrophic cardiomyopathy 20. Identifiers: MedGen C3151267, MONDO:0013477, OMIM 613876.
Cardiomyopathy (CMYO). Also called: Cardiomyopathies. Identifiers: Orphanet 167848, MedGen C0878544, MONDO:0004994, HP:0001638. Inheritance: Various modes of inheritance.

Allele frequency attached by ClinVar (database versions not stated): gnomAD 0.00001; gnomAD exomes 0.00001; TOPMed 0.00003.
gnomAD v4.1: 8 of 1,612,678 alleles (0.0005%); highest among the groups gnomAD compares: Non-Finnish European, 0.00068%; no homozygotes.

Submissions (7):

Blueprint Genetics
Classification: Uncertain significance. Last evaluated: 2024-09-13. Review status: criteria provided, single submitter. Criteria: ACMG Guidelines, 2015. Collection method: clinical testing. Allele origin: germline.

GeneDx
Classification: Uncertain significance. Last evaluated: 2024-09-10. Review status: criteria provided, single submitter. Criteria: GeneDx Variant Classification Process June 2021. Collection method: clinical testing. Allele origin: germline. Affected: yes.
Comment: Not observed at significant frequency in large population cohorts (gnomAD); In silico analysis supports that this missense variant has a deleterious effect on protein structure/function; Has not been previously published as pathogenic or benign to our knowledge

Ambry Genetics
Classification: Uncertain significance for Cardiovascular phenotype. Last evaluated: 2024-02-24. Review status: criteria provided, single submitter. Criteria: Ambry Variant Classification Scheme 2023. Collection method: clinical testing. Allele origin: germline.
Comment: The p.G661R variant (also known as c.1981G>A), located in coding exon 12 of the NEXN gene, results from a G to A substitution at nucleotide position 1981. The glycine at codon 661 is replaced by arginine, an amino acid with dissimilar properties. This amino acid position is conserved. In addition, this alteration is predicted to be deleterious by in silico analysis. Since supporting evidence is limited at this time, the clinical significance of this alteration remains unclear.

Women's Health and Genetics/Laboratory Corporation of America, LabCorp
Classification: Uncertain significance. Last evaluated: 2023-10-23. Review status: criteria provided, single submitter. Criteria: LabCorp Variant Classification Summary - May 2015. Collection method: clinical testing. Allele origin: germline.

Labcorp Genetics (formerly Invitae), Labcorp
Classification: Uncertain significance for Dilated cardiomyopathy 1CC; Hypertrophic cardiomyopathy 20. Last evaluated: 2020-07-01. Review status: criteria provided, single submitter. Criteria: Invitae Variant Classification Sherloc (09022015). Collection method: clinical testing. Allele origin: germline.
Comment: This sequence change replaces glycine with arginine at codon 661 of the NEXN protein (p.Gly661Arg). The glycine residue is highly conserved and there is a moderate physicochemical difference between glycine and arginine. This variant is not present in population databases (ExAC no frequency). This variant has not been reported in the literature in individuals with NEXN-related conditions. ClinVar contains an entry for this variant (Variation ID: 229056). Algorithms developed to predict the effect of missense changes on protein structure and function are either unavailable or do not agree on the potential impact of this missense change (SIFT: "Deleterious"; PolyPhen-2: "Probably Damaging"; Align-GVGD: "Class C15"). In summary, the available evidence is currently insufficient to determine the role of this variant in disease. Therefore, it has been classified as a Variant of Uncertain Significance.

CHEO Genetics Diagnostic Laboratory, Children's Hospital of Eastern Ontario
Classification: Uncertain significance for Cardiomyopathy. Last evaluated: 2016-11-24. Review status: criteria provided, single submitter. Criteria: ACMG Guidelines, 2015. Collection method: clinical testing. Allele origin: germline. Study: Canadian Open Genetics Repository.

Laboratory for Molecular Medicine, Mass General Brigham Personalized Medicine
Classification: Uncertain significance. Last evaluated: 2015-04-10. Review status: criteria provided, single submitter. Criteria: LMM Criteria. Collection method: clinical testing. Allele origin: germline. Observed: 1 variant allele.
Comment: The p.Gly661Arg variant in NEXN has not been previously reported in individuals with cardiomyopathy or in large population studies. Computational prediction too ls and conservation analysis suggest that this variant may impact the protein, t hough this information is not predictive enough to determine pathogenicity. In s ummary, the clinical significance of the p.Gly661Arg variant is uncertain.

NM_144573.4(NEXN):c.1981G>A (p.Gly661Arg)

Gene: NEXN (nexilin F-actin binding protein; plus strand). Cytogenetic location: 1p31.1.
Variant type: single nucleotide variant.
Coding change: c.1981G>A on transcript NM_144573.4 (MANE Select); coding-DNA position 1981, G replaced by A.
Protein change: p.Gly661Arg; replaces glycine 661 with arginine.
Molecular consequence: missense variant.
Genome position (GRCh38, 1-based): chr1:77,942,782, G>A. VCF-style: chr1-77942782-G-A. GRCh37 (hg19) VCF-style: chr1-78408467-G-A.
Other names: c.1789G>A, p.Gly597Arg (NM_001172309.2); short protein forms G661R, G597R.
Identifiers: ClinVar variation 229056 (VCV000229056.18), dbSNP rs876657929, ClinGen allele CA10576435.